The following is an entry in ClinVar:

ClinVar aggregate classification (germline): Uncertain significance. Review status: criteria provided, multiple submitters, no conflicts (2 of 4 stars). 2 submissions from 2 submitters: Uncertain significance (2). Last evaluated 2025-07-30.

Conditions:
Hereditary cancer-predisposing syndrome. Also called: Tumor predisposition; Hereditary neoplastic syndrome; Neoplastic Syndromes, Hereditary; Hereditary Cancer Syndrome. Identifiers: Orphanet 140162, MedGen C0027672, MeSH D009386, MONDO:0015356.
Familial cancer of breast. Also called: hereditary breast carcinoma; Hereditary breast cancer; BREAST CANCER, FAMILIAL. Identifiers: Orphanet 227535, MedGen C0346153, MONDO:0016419, OMIM 114480. Disease mechanism: loss of function.

Submissions (2):

Labcorp Genetics (formerly Invitae), Labcorp
Classification: Uncertain significance for Familial cancer of breast. Last evaluated: 2025-07-30. Review status: criteria provided, single submitter. Criteria: Invitae Variant Classification Sherloc (09022015). Collection method: clinical testing. Allele origin: germline.
Comment: This sequence change replaces glycine, which is neutral and non-polar, with alanine, which is neutral and non-polar, at codon 467 of the PALB2 protein (p.Gly467Ala). This variant is not present in population databases (gnomAD no frequency). This missense change has been observed in individual(s) with hereditary breast and ovarian cancer (PMID: 34326862). ClinVar contains an entry for this variant (Variation ID: 819115). Invitae Evidence Modeling of protein sequence and biophysical properties (such as structural, functional, and spatial information, amino acid conservation, physicochemical variation, residue mobility, and thermodynamic stability) indicates that this missense variant is not expected to disrupt PALB2 protein function with a negative predictive value of 80%. In summary, the available evidence is currently insufficient to determine the role of this variant in disease. Therefore, it has been classified as a Variant of Uncertain Significance.

Ambry Genetics
Classification: Uncertain significance for Hereditary cancer-predisposing syndrome. Last evaluated: 2023-03-05. Review status: criteria provided, single submitter. Criteria: Ambry Variant Classification Scheme 2023. Collection method: clinical testing. Allele origin: germline.
Comment: The p.G467A variant (also known as c.1400G>C), located in coding exon 4 of the PALB2 gene, results from a G to C substitution at nucleotide position 1400. The glycine at codon 467 is replaced by alanine, an amino acid with similar properties. This amino acid position is poorly conserved in available vertebrate species. In addition, this alteration is predicted to be tolerated by in silico analysis. Since supporting evidence is limited at this time, the clinical significance of this alteration remains unclear.

Literature cited by the submitters: PubMed 34326862 (cited by Labcorp Genetics (formerly Invitae), Labcorp).

NM_024675.4(PALB2):c.1400G>C (p.Gly467Ala)

Gene: PALB2 (partner and localizer of BRCA2; minus strand). Cytogenetic location: 16p12.2.
Variant type: single nucleotide variant.
Coding change: c.1400G>C on transcript NM_024675.4 (MANE Select); coding-DNA position 1400, G replaced by C.
Protein change: p.Gly467Ala; replaces glycine 467 with alanine.
Molecular consequence: missense variant.
Genome position (GRCh38, 1-based): chr16:23,635,146, C>G on the plus strand (G>C on the coding strand, the complement: PALB2 is on the minus strand). VCF-style: chr16-23635146-C-G. GRCh37 (hg19) VCF-style: chr16-23646467-C-G.
Other names: short protein forms G467A.
Identifiers: ClinVar variation 819115 (VCV000819115.12), dbSNP rs730881906, ClinGen allele CA395131347.